The following is an entry in ClinVar:

ClinVar aggregate classification (germline): Likely benign (1 of 4 stars; one submission).

gnomAD v4.1: 31 of 1,612,402 alleles (0.0019%); highest among the groups gnomAD compares: East Asian, 0.051%; no homozygotes.

Submission:

Women's Health and Genetics/Laboratory Corporation of America, LabCorp
Classification: Likely benign. Last evaluated: 2025-12-02. Review status: criteria provided, single submitter. Criteria: LabCorp Variant Classification Summary - May 2015. Collection method: clinical testing. Allele origin: germline.
Comment: Variant summary: FGA c.365-9C>T alters a nucleotide located at a position not widely known to affect splicing. Consensus agreement among computation tools predict no significant impact on normal splicing. However, these predictions have yet to be confirmed by functional studies. The variant allele was found at a frequency of 9.2e-05 in 250776 control chromosomes. This frequency is not significantly higher than estimated for disease-causing variants in FGA, allowing no conclusion about variant significance. To our knowledge, no occurrence of c.365-9C>T in individuals affected with FGA-related conditions and no experimental evidence demonstrating its impact on protein function have been reported. No submitters have cited clinical-significance assessments for this variant to ClinVar. Based on the evidence outlined above, the variant was classified as likely benign.

NM_021871.4(FGA):c.365-9C>T

Gene: FGA (fibrinogen alpha chain; minus strand). Cytogenetic location: 4q31.3.
Variant type: single nucleotide variant.
Coding change: c.365-9C>T on transcript NM_021871.4 (MANE Select); 9 bases into the intron before coding-DNA position 365, C replaced by T.
Molecular consequence: intron variant.
Genome position (GRCh38, 1-based): chr4:154,587,666, G>A on the plus strand (C>T on the coding strand, the complement: FGA is on the minus strand). VCF-style: chr4-154587666-G-A. GRCh37 (hg19) VCF-style: chr4-155508818-G-A.
Other names: c.365-9C>T (NM_000508.5).
Identifiers: ClinVar variation 4688656 (VCV004688656.1).
Genomic context (GRCh38, chr4:154,587,666, plus strand): 5'-TCAATTCTGCTTCTCAGATCCTCTGACACTCGGTTGTAGGTATTATCACGGTCTGAAATC[G>A]AAAATATGGTTATTGAAGTAGCTGCTGAGTGATTTGTCTGTAATTGCCAGCAAAAAAGAA-3'